The following is an entry in ClinVar:

ClinVar aggregate classification (germline): Uncertain significance. Review status: criteria provided, multiple submitters, no conflicts (2 of 4 stars). 2 submissions from 2 submitters: Uncertain significance (2). Last evaluated 2024-12-30.

Conditions:
Inborn genetic diseases. Identifiers: MedGen C0950123, MeSH D030342.

Allele frequency attached by ClinVar (database versions not stated): gnomAD 0.00001; gnomAD exomes 0.00001; TOPMed 0.00001; ExAC 0.00003; 1000 Genomes Project 30x 0.00016; 1000 Genomes Project 0.00020.

Submissions (2):

Ambry Genetics
Classification: Uncertain significance for Inborn genetic diseases. Last evaluated: 2024-12-30. Review status: criteria provided, single submitter. Criteria: Ambry Variant Classification Scheme 2023. Collection method: clinical testing. Allele origin: germline.
Comment: The p.K15R variant (also known as c.44A>G), located in coding exon 1 of the ERCC6L2 gene, results from an A to G substitution at nucleotide position 44. The lysine at codon 15 is replaced by arginine, an amino acid with highly similar properties. This amino acid position is conserved. In addition, the in silico prediction for this alteration is inconclusive. Based on the available evidence, the clinical significance of this variant remains unclear.

Labcorp Genetics (formerly Invitae), Labcorp
Classification: Uncertain significance. Last evaluated: 2022-04-11. Review status: criteria provided, single submitter. Criteria: Invitae Variant Classification Sherloc (09022015). Collection method: clinical testing. Allele origin: germline.
Comment: In summary, the available evidence is currently insufficient to determine the role of this variant in disease. Therefore, it has been classified as a Variant of Uncertain Significance. Algorithms developed to predict the effect of missense changes on protein structure and function are either unavailable or do not agree on the potential impact of this missense change (SIFT: "Tolerated"; PolyPhen-2: "Not Available"; Align-GVGD: "Class C0"). This variant has not been reported in the literature in individuals affected with ERCC6L2-related conditions. This variant is present in population databases (rs543576960, gnomAD 0.006%). This sequence change replaces lysine, which is basic and polar, with arginine, which is basic and polar, at codon 26 of the ERCC6L2 protein (p.Lys26Arg).

NM_020207.7(ERCC6L2):c.44A>G (p.Lys15Arg)

Gene: ERCC6L2 (ERCC excision repair 6 like 2; plus strand). Cytogenetic location: 9q22.32.
Variant type: single nucleotide variant.
Coding change: c.44A>G on transcript NM_020207.7 (MANE Select); coding-DNA position 44, A replaced by G.
Protein change: p.Lys15Arg; replaces lysine 15 with arginine.
Molecular consequence: missense variant. On other transcripts: non-coding transcript variant (1).
Genome position (GRCh38, 1-based): chr9:95,876,082, A>G. VCF-style: chr9-95876082-A-G. GRCh37 (hg19) VCF-style: chr9-98638364-A-G.
Other names: c.44A>G, p.Lys15Arg (NM_001010895.4, NM_001375291.1, NM_001375292.1 and 2 more transcripts); short protein forms K15R.
Identifiers: ClinVar variation 1957065 (VCV001957065.6), dbSNP rs543576960, ClinGen allele CA5139218.